The following is an entry in ClinVar:

NM_001134831.2(AHI1):c.-140+8A>G

Gene: AHI1 (Abelson helper integration site 1; minus strand). Cytogenetic location: 6q23.3.
Variant type: single nucleotide variant.
Coding change: c.-140+8A>G on transcript NM_001134831.2 (MANE Select); 8 bases into the intron after 140 bases upstream of the start codon, A replaced by G.
Molecular consequence: intron variant.
Genome position (GRCh38, 1-based): chr6:135,497,180, T>C on the plus strand (A>G on the coding strand, the complement: AHI1 is on the minus strand). VCF-style: chr6-135497180-T-C. GRCh37 (hg19) VCF-style: chr6-135818318-T-C.
Other names: c.-55+403A>G (NM_001134830.2); c.-311+403A>G (NM_001350503.2); c.-55+8A>G (NM_017651.5, NM_001134832.2); c.-140+8A>G (NM_001350504.2).
Identifiers: ClinVar variation 4987886 (VCV004987886.1).

ClinVar aggregate classification (germline): Likely benign (1 of 4 stars; one submission).

Conditions:
AHI1-related disorder. Also called: AHI1-related condition.

gnomAD v4.1: 5 of 152,200 alleles (0.0033%); highest among the groups gnomAD compares: African/African-American, 0.012%; no homozygotes.

Submission:

PreventionGenetics, part of Exact Sciences
Classification: Likely benign for AHI1-related condition. Last evaluated: 2026-09-01. Review status: criteria provided, single submitter. Criteria: ACMG Guidelines, 2015. Collection method: clinical testing. Allele origin: germline.
Comment: This variant is classified as likely benign based on ACMG/AMP sequence variant interpretation guidelines (Richards et al. 2015 PMID: 25741868, with internal and published modifications).